The following is an entry in ClinVar:

ClinVar aggregate classification (germline): Uncertain significance (1 of 4 stars; one submission).

Allele frequency attached by ClinVar (database versions not stated): gnomAD exomes 0.00001; gnomAD 0.00002; TOPMed 0.00002.
gnomAD v4.1: 17 of 1,613,870 alleles (0.0011%); highest among the groups gnomAD compares: East Asian, 0.0022%; no homozygotes.

Submission:

Labcorp Genetics (formerly Invitae), Labcorp
Classification: Uncertain significance. Last evaluated: 2024-10-23. Review status: criteria provided, single submitter. Criteria: Invitae Variant Classification Sherloc (09022015). Collection method: clinical testing. Allele origin: germline.
Comment: This sequence change replaces arginine, which is basic and polar, with cysteine, which is neutral and slightly polar, at codon 1838 of the CAD protein (p.Arg1838Cys). This variant is present in population databases (no rsID available, gnomAD 0.003%). This variant has not been reported in the literature in individuals affected with CAD-related conditions. ClinVar contains an entry for this variant (Variation ID: 2421469). An algorithm developed to predict the effect of missense changes on protein structure and function (PolyPhen-2) suggests that this variant is likely to be disruptive. In summary, the available evidence is currently insufficient to determine the role of this variant in disease. Therefore, it has been classified as a Variant of Uncertain Significance.

NM_004341.5(CAD):c.5512C>T (p.Arg1838Cys)

Gene: CAD (carbamoyl-phosphate synthetase 2, aspartate transcarbamylase, and dihydroorotase; plus strand). Cytogenetic location: 2p23.3.
Variant type: single nucleotide variant.
Coding change: c.5512C>T on transcript NM_004341.5 (MANE Select); coding-DNA position 5512, C replaced by T.
Protein change: p.Arg1838Cys; replaces arginine 1838 with cysteine.
Molecular consequence: missense variant.
Genome position (GRCh38, 1-based): chr2:27,240,280, C>T. VCF-style: chr2-27240280-C-T. GRCh37 (hg19) VCF-style: chr2-27463148-C-T.
Other names: c.5323C>T, p.Arg1775Cys (NM_001306079.2); short protein forms R1775C, R1838C.
Identifiers: ClinVar variation 2421469 (VCV002421469.5), dbSNP rs918556853, ClinGen allele CA44518530.